The following is an entry in ClinVar:

ClinVar aggregate classification (germline): Uncertain significance (1 of 4 stars; one submission).

Submission:

Labcorp Genetics (formerly Invitae), Labcorp
Classification: Uncertain significance. Last evaluated: 2025-09-12. Review status: criteria provided, single submitter. Criteria: Invitae Variant Classification Sherloc (09022015). Collection method: clinical testing. Allele origin: germline.
Comment: This sequence change replaces glycine, which is neutral and non-polar, with arginine, which is basic and polar, at codon 321 of the ANGPT1 protein (p.Gly321Arg). This variant is not present in population databases (gnomAD no frequency). This variant has not been reported in the literature in individuals affected with ANGPT1-related conditions. An algorithm developed to predict the effect of missense changes on protein structure and function (PolyPhen-2) suggests that this variant is likely to be disruptive. In summary, the available evidence is currently insufficient to determine the role of this variant in disease. Therefore, it has been classified as a Variant of Uncertain Significance.

NM_001146.5(ANGPT1):c.961G>C (p.Gly321Arg)

Gene: ANGPT1 (angiopoietin 1; minus strand). Cytogenetic location: 8q23.1.
Variant type: single nucleotide variant.
Coding change: c.961G>C on transcript NM_001146.5 (MANE Select); coding-DNA position 961, G replaced by C.
Protein change: p.Gly321Arg; replaces glycine 321 with arginine.
Molecular consequence: missense variant.
Genome position (GRCh38, 1-based): chr8:107,294,013, C>G on the plus strand (G>C on the coding strand, the complement: ANGPT1 is on the minus strand). VCF-style: chr8-107294013-C-G. GRCh37 (hg19) VCF-style: chr8-108306241-C-G.
Other names: c.958G>C, p.Gly320Arg (NM_001199859.3); c.361G>C, p.Gly121Arg (NM_001314051.2); short protein forms G321R, G121R, G320R.
Identifiers: ClinVar variation 4769481 (VCV004769481.1).